The following is an entry in ClinVar:

NM_018896.5(CACNA1G):c.5021+5C>A

Gene: CACNA1G (calcium voltage-gated channel subunit alpha1 G; plus strand). Cytogenetic location: 17q21.33.
Variant type: single nucleotide variant.
Coding change: c.5021+5C>A on transcript NM_018896.5 (MANE Select); 5 bases into the intron after coding-DNA position 5021, C replaced by A.
Molecular consequence: intron variant.
Genome position (GRCh38, 1-based): chr17:50,616,389, C>A. VCF-style: chr17-50616389-C-A. GRCh37 (hg19) VCF-style: chr17-48693750-C-A.
Other names: c.5042+5C>A (NM_001256325.2); c.4988+5C>A (NM_198377.3, NM_198380.3, NM_198378.3 and 1 more transcripts); c.5021+5C>A (NM_198385.3, NM_198384.3, NM_001256333.2 and 1 more transcripts); c.4967+5C>A (NM_001256324.2, NM_198386.3, NM_001256328.2); c.4913+5C>A (NM_001256360.2); c.4907+5C>A (NM_001256361.2); c.4940+5C>A (NM_001256359.2); c.4886+5C>A (NM_001256326.2, NM_001256330.2); and 5 more.
Identifiers: ClinVar variation 1961299 (VCV001961299.5), dbSNP rs747327419, ClinGen allele CA8653257.

ClinVar aggregate classification (germline): Uncertain significance (1 of 4 stars; one submission).

gnomAD v4.1: 9 of 1,562,878 alleles (0.00058%); highest among the groups gnomAD compares: East Asian, 0.02%; no homozygotes.

Submission:

Labcorp Genetics (formerly Invitae), Labcorp
Classification: Uncertain significance. Last evaluated: 2022-06-18. Review status: criteria provided, single submitter. Criteria: Invitae Variant Classification Sherloc (09022015). Collection method: clinical testing. Allele origin: germline.
Comment: In summary, the available evidence is currently insufficient to determine the role of this variant in disease. Therefore, it has been classified as a Variant of Uncertain Significance. This sequence change falls in intron 28 of the CACNA1G gene. It does not directly change the encoded amino acid sequence of the CACNA1G protein. It affects a nucleotide within the consensus splice site. This variant is present in population databases (rs747327419, gnomAD 0.04%). This variant has not been reported in the literature in individuals affected with CACNA1G-related conditions. Variants that disrupt the consensus splice site are a relatively common cause of aberrant splicing (PMID: 17576681, 9536098). Algorithms developed to predict the effect of sequence changes on RNA splicing suggest that this variant is not likely to affect RNA splicing.

Literature cited by the submitters: PubMed 17576681; PubMed 9536098.